The following is an entry in ClinVar:

ClinVar aggregate classification (germline): Pathogenic. Review status: reviewed by expert panel (3 of 4 stars). 3 submissions from 3 submitters: Pathogenic (1). 2 of the submissions do not count toward it. Last evaluated 2017-12-15.

Conditions:
Hereditary cancer-predisposing syndrome. Also called: Tumor predisposition; Hereditary Cancer Syndrome; Neoplastic Syndromes, Hereditary; Hereditary neoplastic syndrome. Identifiers: Orphanet 140162, MedGen C0027672, MeSH D009386, MONDO:0015356.
Breast-ovarian cancer, familial, susceptibility to, 1 (BROVCA1). Also called: BRCA1 Hereditary Breast and Ovarian Cancer; OVARIAN CANCER, SUSCEPTIBILITY TO. Identifiers: Orphanet 145, MedGen C2676676, MONDO:0011450, OMIM 604370. Disease mechanism: loss of function.

Submissions (3):

Evidence-based Network for the Interpretation of Germline Mutant Alleles (ENIGMA)
Classification: Pathogenic for Breast-ovarian cancer, familial, susceptibility to, 1. Last evaluated: 2017-12-15. Review status: reviewed by expert panel. Criteria: ENIGMA BRCA1/2 Classification Criteria (2017-06-29). Collection method: curation. Allele origin: germline. Study: ENIGMA.
Comment: Variant allele predicted to encode a truncated non-functional protein.

Myriad Genetics, Inc.
Classification: Pathogenic for Breast-ovarian cancer, familial, susceptibility to, 1. Last evaluated: 2025-11-05. Review status: criteria provided, single submitter. Criteria: Myriad Autosomal Dominant, Autosomal Recessive and X-Linked Classification Criteria (2023). Collection method: clinical testing. Allele origin: unknown. Not counted in ClinVar's aggregate classification.
Comment: This variant is considered pathogenic. This variant creates a frameshift predicted to result in premature protein truncation.

Ambry Genetics
Classification: Pathogenic for Hereditary cancer-predisposing syndrome. Last evaluated: 2024-10-28. Review status: criteria provided, single submitter. Criteria: Ambry Variant Classification Scheme 2023. Collection method: clinical testing. Allele origin: germline. Not counted in ClinVar's aggregate classification.
Comment: The c.1232_1235delATGTinsCA pathogenic mutation, located in coding exon 9 of the BRCA1 gene, results from the deletion of 4 nucleotides and insertion of two nucleotides causing a translational frameshift with a predicted alternate stop codon (p.D411Afs*7). This variant is considered to be rare based on population cohorts in the Genome Aggregation Database (gnomAD). This alteration is expected to result in loss of function by premature protein truncation or nonsense-mediated mRNA decay. As such, this alteration is interpreted as a disease-causing mutation.

NM_007294.4(BRCA1):c.1232_1235delinsCA (p.Asp411fs)

Gene: BRCA1 (BRCA1 DNA repair associated; minus strand). Cytogenetic location: 17q21.31.
Variant type: Indel.
Coding change: c.1232_1235delinsCA on transcript NM_007294.4 (MANE Select); coding-DNA positions 1232 to 1235, ATGT replaced by CA.
Protein change: p.Asp411fs; shifts the reading frame from aspartic acid 411.
Molecular consequence: frameshift variant. On other transcripts: intron variant (137).
Genome position (GRCh38, 1-based): chr17:43,094,296-43,094,299, ACAT replaced by TG on the plus strand (ATGT replaced by CA on the coding strand, the reverse complement: BRCA1 is on the minus strand). VCF-style: chr17-43094296-ACAT-TG. GRCh37 (hg19) VCF-style: chr17-41246313-ACAT-TG.
Other names: c.1091_1094delinsCA, p.Asp364fs (NM_001407692.1, NM_001407694.1, NM_001407695.1 and 29 more transcripts); c.1088_1091delinsCA, p.Asp363fs (NM_001407740.1, NM_001407741.1, NM_001407742.1 and 20 more transcripts); c.1019_1022delinsCA, p.Asp340fs (NM_001407853.1, NM_001407894.1, NM_001407895.1 and 9 more transcripts); c.1232_1235delinsCA, p.Asp411fs (NM_001407854.1, NM_001407858.1, NM_001407859.1 and 30 more transcripts); c.1229_1232delinsCA, p.Asp410fs (NM_001407860.1, NM_001407861.1, NM_001407587.1 and 22 more transcripts); c.1031_1034delinsCA, p.Asp344fs (NM_001407862.1); c.1109_1112delinsCA, p.Asp370fs (NM_001407863.1, NM_001407919.1, NM_001407937.1 and 19 more transcripts); c.1028_1031delinsCA, p.Asp343fs (NM_001407874.1, NM_001407875.1); and 40 more; short protein forms D411fs, D364fs, D115fs, D370fs, D385fs, D408fs, D323fs, D340fs.
Identifiers: ClinVar variation 231599 (VCV000231599.8), dbSNP rs876659253, ClinGen allele CA10580674.